The following is an entry in ClinVar:

NM_000465.4(BARD1):c.1828C>T (p.Pro610Ser)

Gene: BARD1 (BRCA1 associated RING domain 1; minus strand). Cytogenetic location: 2q35.
Variant type: single nucleotide variant.
Coding change: c.1828C>T on transcript NM_000465.4 (MANE Select); coding-DNA position 1828, C replaced by T.
Protein change: p.Pro610Ser; replaces proline 610 with serine.
Molecular consequence: missense variant. On other transcripts: non-coding transcript variant (3), intron variant (1).
Genome position (GRCh38, 1-based): chr2:214,745,142, G>A on the plus strand (C>T on the coding strand, the complement: BARD1 is on the minus strand). VCF-style: chr2-214745142-G-A. GRCh37 (hg19) VCF-style: chr2-215609866-G-A.
Other names: c.1771C>T, p.Pro591Ser (NM_001282543.2); c.475C>T, p.Pro159Ser (NM_001282545.2); c.418C>T, p.Pro140Ser (NM_001282548.2); c.365-14634C>T (NM_001282549.2); short protein forms P610S, P140S, P159S, P591S.
Identifiers: ClinVar variation 922715 (VCV000922715.5), dbSNP rs1693042110, ClinGen allele CA350452296.

ClinVar aggregate classification (germline): Uncertain significance. Review status: criteria provided, multiple submitters, no conflicts (2 of 4 stars). 2 submissions from 2 submitters: Uncertain significance (2). Last evaluated 2025-03-19.

Conditions:
Hereditary cancer-predisposing syndrome. Also called: Neoplastic Syndromes, Hereditary; Tumor predisposition; Hereditary Cancer Syndrome; Hereditary neoplastic syndrome. Identifiers: Orphanet 140162, MedGen C0027672, MeSH D009386, MONDO:0015356.
Familial cancer of breast. Also called: BREAST CANCER, FAMILIAL; hereditary breast carcinoma; Hereditary breast cancer. Identifiers: Orphanet 227535, MedGen C0346153, MONDO:0016419, OMIM 114480. Disease mechanism: loss of function.

Allele frequency attached by ClinVar (database versions not stated): gnomAD exomes below 0.00001.
gnomAD v4.1: 1 of 1,613,684 alleles (0.000062%); highest among the groups gnomAD compares: Non-Finnish European, 0.000085%; no homozygotes.

Submissions (2):

Labcorp Genetics (formerly Invitae), Labcorp
Classification: Uncertain significance for Familial cancer of breast. Last evaluated: 2025-03-19. Review status: criteria provided, single submitter. Criteria: Invitae Variant Classification Sherloc (09022015). Collection method: clinical testing. Allele origin: germline.
Comment: This sequence change replaces proline, which is neutral and non-polar, with serine, which is neutral and polar, at codon 610 of the BARD1 protein (p.Pro610Ser). This variant is not present in population databases (gnomAD no frequency). This variant has not been reported in the literature in individuals affected with BARD1-related conditions. ClinVar contains an entry for this variant (Variation ID: 922715). An algorithm developed to predict the effect of missense changes on protein structure and function outputs the following: PolyPhen-2: "Possibly Damaging". The serine amino acid residue is found in multiple mammalian species, which suggests that this missense change does not adversely affect protein function. Algorithms developed to predict the effect of sequence changes on RNA splicing suggest that this variant may disrupt the consensus splice site. In summary, the available evidence is currently insufficient to determine the role of this variant in disease. Therefore, it has been classified as a Variant of Uncertain Significance.

Color Diagnostics, LLC DBA Color Health
Classification: Uncertain significance for Hereditary cancer-predisposing syndrome. Last evaluated: 2024-03-07. Review status: criteria provided, single submitter. Criteria: ACMG Guidelines, 2015. Collection method: clinical testing. Allele origin: germline.
Comment: This missense variant replaces proline with serine at codon 610 of the BARD1 protein. Computational prediction tool suggests that this variant may not impact protein structure and function (internally defined REVEL score threshold <=0.5, PMID: 27666373). Splice site prediction tools suggest that this variant may not impact RNA splicing. To our knowledge, functional studies have not been performed for this variant. This variant has not been reported in individuals affected with hereditary cancer in the literature. This variant has not been identified in the general population by the Genome Aggregation Database (gnomAD). The available evidence is insufficient to determine the role of this variant in disease conclusively. Therefore, this variant is classified as a Variant of Uncertain Significance.